The following is an entry in ClinVar:

ClinVar aggregate classification (germline): Likely benign (1 of 4 stars; one submission).

Submission:

CeGaT Center for Human Genetics Tuebingen
Classification: Likely benign. Last evaluated: 2025-08-01. Review status: criteria provided, single submitter. Criteria: CeGaT Center For Human Genetics Tuebingen Variant Classification Criteria Version 2. Collection method: clinical testing. Allele origin: germline. Affected: yes. Observed: 1 variant allele.
Comment: SMARCA4: PM2:Supporting, BP4, BP7

NM_003072.5(SMARCA4):c.4341T>C (p.Pro1447=)

Gene: SMARCA4 (SWI/SNF related BAF chromatin remodeling complex subunit ATPase 4; plus strand). Cytogenetic location: 19p13.2.
Variant type: single nucleotide variant.
Coding change: c.4341T>C on transcript NM_003072.5 (MANE Select); coding-DNA position 4341, T replaced by C.
Protein change: p.Pro1447=; no amino-acid change (proline 1447 retained).
Molecular consequence: synonymous variant. On other transcripts: non-coding transcript variant (1).
Genome position (GRCh38, 1-based): chr19:11,041,477, T>C. VCF-style: chr19-11041477-T-C. GRCh37 (hg19) VCF-style: chr19-11152153-T-C.
Other names: c.4341T>C, p.Pro1447= (NM_001128844.3); c.4251T>C, p.Pro1417= (NM_001128845.2, NM_001128846.2); c.4242T>C, p.Pro1414= (NM_001128847.4, NM_001128848.2, NM_001374457.1); c.4437T>C, p.Pro1479= (NM_001128849.3, NM_001387283.1); c.4338T>C, p.Pro1446= (NM_001411150.1).
Identifiers: ClinVar variation 4085792 (VCV004085792.8).
Genomic context (GRCh38, chr19:11,041,477, plus strand): 5'-CACCCGCAGCCGCGACAAGGACGACGAGAGCAAGAAGCAGAAGAAGCGCGGGCGGCCGCC[T>C]GCCGAGAAACTCTCCCCTAACCCACCCAACCTCACCAAGAAGATGAAGAAGATTGTGGAT-3'
Protein context (NP_003063.2, residues 1437-1457): SKKQKKRGRP[Pro1447=]AEKLSPNPPN